The following is an entry in ClinVar:

NM_021629.4(GNB4):c.700-3T>C

Gene: GNB4 (G protein subunit beta 4; minus strand). Cytogenetic location: 3q26.33.
Variant type: single nucleotide variant.
Coding change: c.700-3T>C on transcript NM_021629.4 (MANE Select); 3 bases into the intron before coding-DNA position 700, T replaced by C.
Molecular consequence: intron variant.
Genome position (GRCh38, 1-based): chr3:179,405,409, A>G on the plus strand (T>C on the coding strand, the complement: GNB4 is on the minus strand). VCF-style: chr3-179405409-A-G. GRCh37 (hg19) VCF-style: chr3-179123197-A-G.
Identifiers: ClinVar variation 566190 (VCV000566190.8), dbSNP rs199620294, ClinGen allele CA88740463.

ClinVar aggregate classification (germline): Uncertain significance (1 of 4 stars; one submission).

Conditions:
Charcot-Marie-Tooth disease dominant intermediate F. Identifiers: Orphanet 352670, MedGen C4749463, MONDO:0014074, OMIM 615185.

Allele frequency attached by ClinVar (database versions not stated): TOPMed 0.00002; gnomAD exomes 0.00001; gnomAD 0.00001.
gnomAD v4.1: 16 of 1,596,118 alleles (0.001%); highest among the groups gnomAD compares: Non-Finnish European, 0.0013%; no homozygotes.

Submission:

Labcorp Genetics (formerly Invitae), Labcorp
Classification: Uncertain significance for Charcot-Marie-Tooth disease dominant intermediate F. Last evaluated: 2023-08-03. Review status: criteria provided, single submitter. Criteria: Invitae Variant Classification Sherloc (09022015). Collection method: clinical testing. Allele origin: germline.
Comment: This sequence change falls in intron 8 of the GNB4 gene. It does not directly change the encoded amino acid sequence of the GNB4 protein. It affects a nucleotide within the consensus splice site. This variant is not present in population databases (gnomAD no frequency). This variant has not been reported in the literature in individuals affected with GNB4-related conditions. ClinVar contains an entry for this variant (Variation ID: 566190). Variants that disrupt the consensus splice site are a relatively common cause of aberrant splicing (PMID: 17576681, 9536098). Algorithms developed to predict the effect of sequence changes on RNA splicing suggest that this variant is not likely to affect RNA splicing. In summary, the available evidence is currently insufficient to determine the role of this variant in disease. Therefore, it has been classified as a Variant of Uncertain Significance.

Literature cited by the submitters: PubMed 17576681; PubMed 9536098.